The following is an entry in ClinVar:

NM_206933.4(USH2A):c.14792-1G>A

Gene: USH2A (usherin; minus strand). Cytogenetic location: 1q41.
Variant type: single nucleotide variant.
Coding change: c.14792-1G>A on transcript NM_206933.4 (MANE Select); the canonical splice acceptor site of the intron before coding-DNA position 14792, G replaced by A.
Molecular consequence: splice acceptor variant.
Genome position (GRCh38, 1-based): chr1:215,640,735, C>T on the plus strand (G>A on the coding strand, the complement: USH2A is on the minus strand). VCF-style: chr1-215640735-C-T. GRCh37 (hg19) VCF-style: chr1-215814077-C-T.
Identifiers: ClinVar variation 2779989 (VCV002779989.3), dbSNP rs2464789668, ClinGen allele CA344828674.

ClinVar aggregate classification (germline): Pathogenic (1 of 4 stars; one submission).

Submission:

Labcorp Genetics (formerly Invitae), Labcorp
Classification: Pathogenic. Last evaluated: 2026-01-06. Review status: criteria provided, single submitter. Criteria: Invitae Variant Classification Sherloc (09022015). Collection method: clinical testing. Allele origin: germline.
Comment: This sequence change affects an acceptor splice site in intron 67 of the USH2A gene. It is expected to disrupt RNA splicing. Variants that disrupt the donor or acceptor splice site typically lead to a loss of protein function (PMID: 16199547), and loss-of-function variants in USH2A are known to be pathogenic (PMID: 10729113, 10909849, 20507924, 25649381). This variant is not present in population databases (gnomAD no frequency). Disruption of this splice site has been observed in individual(s) with USH2A-related conditions (PMID: 32675063; internal data). In at least one individual the data is consistent with being in trans (on the opposite chromosome) from a pathogenic variant. ClinVar contains an entry for this variant (Variation ID: 2779989). Algorithms developed to predict the effect of sequence changes on RNA splicing suggest that this variant may disrupt the consensus splice site. For these reasons, this variant has been classified as Pathogenic.

Literature cited by the submitters: PubMed 16199547; PubMed 10729113; PubMed 10909849; PubMed 20507924; PubMed 25649381; PubMed 32675063.